The following is an entry in ClinVar:

NM_000152.5(GAA):c.2015G>A (p.Arg672Gln)

Gene: GAA (alpha glucosidase; plus strand). Cytogenetic location: 17q25.3.
Variant type: single nucleotide variant.
Coding change: c.2015G>A on transcript NM_000152.5 (MANE Select); coding-DNA position 2015, G replaced by A.
Protein change: p.Arg672Gln; replaces arginine 672 with glutamine.
Molecular consequence: missense variant.
Genome position (GRCh38, 1-based): chr17:80,113,002, G>A. VCF-style: chr17-80113002-G-A. GRCh37 (hg19) VCF-style: chr17-78086801-G-A.
Other names: c.2015G>A (LRG_673t1, NM_000152.4); c.2015G>A, p.Arg672Gln (NM_001079803.3, NM_001079804.3); short protein forms R672Q.
Identifiers: ClinVar variation 371126 (VCV000371126.31), dbSNP rs778418246, ClinGen allele CA8815566.

ClinVar aggregate classification (germline): Likely pathogenic. Review status: reviewed by expert panel (3 of 4 stars). 14 submissions from 14 submitters: Likely pathogenic (1). 13 of the submissions do not count toward it. Last evaluated 2022-01-04.

Conditions:
Glycogen storage disease, type II (IOPD). Also called: POMPE DISEASE, INFANTILE-ONSET; GLYCOGEN STORAGE DISEASE II, INFANTILE-ONSET; ACID ALPHA-GLUCOSIDASE DEFICIENCY, INFANTILE-ONSET; GAA DEFICIENCY, INFANTILE-ONSET; ACID MALTASE DEFICIENCY, INFANTILE-ONSET; Pompe Disease. Identifiers: Orphanet 365, MedGen C0017921, MONDO:0009290, OMIM 232300.
GAA-related disorder. Also called: GAA-related condition.

Allele frequency attached by ClinVar (database versions not stated): gnomAD exomes 0.00001 and 0.00002; TOPMed 0.00001; ExAC 0.00002.

Submissions 1 to 7 of 14:

ClinGen Lysosomal Storage Disorder Variant Curation Expert Panel
Classification: Likely pathogenic for Glycogen storage disease, type II. Last evaluated: 2022-01-04. Review status: reviewed by expert panel. Criteria: clingen_lsd_acmg_specifications_v2-1. Collection method: curation. Allele origin: germline. Inheritance: Autosomal recessive inheritance.
Comment: The NM_000152.5:c.2015G>A variant in GAA is a missense variant predicted to cause substitution of arginine by glutamine at amino acid 672 (p.Arg672Gln). At least 8 probands with Pompe disease have been reported with this variant, including 4 probands and one sibling with published data showing GAA activity below the normal range in muscle or cultured fibroblasts (PMID: 9535769, 17092519, 33578445), three of whom also showed clinical improvement on enzyme replacement therapy (PMID 33578445)(PP4_Moderate). Five probands are homozygous for the variant (PMIDs 9535769, 25712382, 28937052, 33578445). Two probands are compound heterozygous for the variant and a pathogenic variant in GAA; the second variant is either c.118C>T (p.Arg40Ter)(ClinVar SCV001371737.1)(phase unknown), or c.1857C>G (p.Ser619Arg)(phase unknown)(PM3_Strong). Another proband is heterozygous for the variant with the second variant unidentified (PMID 11053688). When generated by site-directed mutagenesis and expressed in SV40-immortalized GAA deficient fibroblasts or COS cells, the variant resulted in very low (<2%) residual GAA activity (PMID 9535769, 19862843) (PS3_Supporting). The computational predictor REVEL gives a score of 0.955 which is above the threshold of 0.7, evidence that correlates with impact to GAA function (PP3). The highest population minor allele frequency in gnomAD is 0.0001107 (East Asian) which is lower than the ClinGen LSD VCEP threshold (<0.001) for PM2_Supporting (PM2_Supporting). Two other missense variants at the same amino acid position, c.2014C>T (p.Arg672Trp) and c.2015G>T (p.Arg672Leu)(PMID 29122469), have been reported in patients with Pompe disease, suggesting that this residue may be important in GAA function. Two other missense variants, c.2014C>T (p.Arg672Trp) and c.2015G>T (p.Arg672Leu)(PMID 29122469), have been reported at the same amino acid position; c.2014C>T (p.Arg672Trp) has been classified as pathogenic for Pompe disease by the ClinGen LSD VCEP. PM5_Supporting is applied here because c.2014C>T (p.Arg672Trp) is only likely pathogenic without PM5 data from c.2015G>A (p.Arg672Gln), thus avoiding circular logic (PM5_Supporting). There is a ClinVar entry for this variant (Variation ID: 371126, 2 star review status) with 3 submitters classifying the variant as pathogenic and one as likely pathogenic. In summary, this variant meets the criteria to be classified as pathogenic for Pompe disease. ACMG/AMP criteria met, as specified by the ClinGen Lysosomal Storage Disorders VCEP (Specifications Version 2.0): PM3_Strong, PP4_Moderate, PP3, PM2_Supporting, PM5_Supporting.

Genomenon, Inc
Classification: Likely pathogenic for Glycogen storage disease, type II. Last evaluated: 2026-07-01. Review status: criteria provided, single submitter. Criteria: Genomenon Sequence Variant Interpretation Standards - Updated. Collection method: curation. Allele origin: germline. Affected: yes. Not counted in ClinVar's aggregate classification.
Comment: GAA p.Arg672Gln (c.2015G>A) is a missense variant that changes the amino acid at codon 672 from Arginine to Glutamine. This variant has been observed in at least one proband with a GAA-related disorder in the compound heterozygous and/or homozygous state (PMID:9535769;39731073;25388776;28937052;39835171;27858635;25085675). At least one functional study has demonstrated a substantial alteration in protein function relative to the wild-type (PMID:9535769;19862843). It is absent or not present at a significant frequency in gnomAD. In silico models predict that this variant is possibly or probably damaging. In conclusion, we classify GAA p.Arg672Gln (c.2015G>A) as a likely pathogenic variant.

PreventionGenetics, part of Exact Sciences
Classification: Pathogenic for GAA-related condition. Last evaluated: 2026-03-06. Review status: criteria provided, single submitter. Criteria: ACMG Guidelines, 2015. Collection method: clinical testing. Allele origin: germline. Not counted in ClinVar's aggregate classification.
Comment: The GAA c.2015G>A variant is predicted to result in the amino acid substitution p.Arg672Gln. This variant has been reported in the homozygous or heterozygous state with a second GAA variant in multiple patients with glycogen storage disease II (GSD II) (Huie et al. 1998. PubMed ID: 9535769; Tsujino et al. 2000. PubMed ID: 11053688; Angelini et al. 2015. PubMed ID: 25712382; Quan et al. 2017. PubMed ID: 28937052) or inherited muscle disorders (Park et al. 2017. PubMed ID: 27363342). In in vitro expression studies or assays of enzyme activity in patient muscle this variant has been reported to greatly reduce GAA enzyme activity relative to wild-type (Huie et al. 1998. PubMed ID: 9535769; Tsujino et al. 2000. PubMed ID: 11053688; Flanagan et al. 2009. PubMed ID: 19862843). Different substitutions of the same amino acid (p.Arg672Trp, p.Arg627Leu) have also been reported in GSD II patients (e.g., Bali et al. 2011. PubMed ID: 21484825; Mori et al. 2017. PubMed ID: 29122469). This variant is reported in 0.011% of alleles in individuals of East Asian descent in gnomAD. This variant is interpreted as pathogenic.

3billion
Classification: Likely pathogenic for Glycogen storage disease, type II. Last evaluated: 2025-06-11. Review status: criteria provided, single submitter. Criteria: ACMG Guidelines, 2015. Collection method: clinical testing. Allele origin: germline. Affected: yes. Not counted in ClinVar's aggregate classification.
Comment: The variant is observed at an extremely low frequency in the gnomAD v4.1.0 dataset (total allele frequency: <0.001%). Predicted Consequence/Location: Missense variant In silico tool predictions suggest damaging effect of the variant on gene or gene product [REVEL: 0.95 (>=0.6, sensitivity 0.68 and specificity 0.92); 3Cnet: 0.99 (> 0.75, sensitivity 0.96 and precision 0.92)]. The same nucleotide change resulting in the same amino acid change has been previously reported as pathogenic/likely pathogenic with strong evidence (ClinVar ID: VCV000371126 /PMID: 9535769 /3billion dataset). Different missense changes at the same codon (p.Arg672Gly, p.Arg672Leu, p.Arg672Trp) have been reported as pathogenic/likely pathogenic with strong evidence (ClinVar ID: VCV000188773, VCV002675756, VCV002728759 /PMID: 29122469, 9535769). Therefore, this variant is classified as Likely pathogenic according to the recommendation of ACMG/AMP guideline.

Labcorp Genetics (formerly Invitae), Labcorp
Classification: Pathogenic for Glycogen storage disease, type II. Last evaluated: 2025-01-29. Review status: criteria provided, single submitter. Criteria: Invitae Variant Classification Sherloc (09022015). Collection method: clinical testing. Allele origin: germline. Not counted in ClinVar's aggregate classification.
Comment: This sequence change replaces arginine, which is basic and polar, with glutamine, which is neutral and polar, at codon 672 of the GAA protein (p.Arg672Gln). The frequency data for this variant in the population databases is considered unreliable, as metrics indicate poor data quality at this position in the gnomAD database. This missense change has been observed in individual(s) with inherited muscular disorder and Pompe disease (PMID: 11053688, 23884227, 25712382, 27363342, 28592009). ClinVar contains an entry for this variant (Variation ID: 371126). Invitae Evidence Modeling of protein sequence and biophysical properties (such as structural, functional, and spatial information, amino acid conservation, physicochemical variation, residue mobility, and thermodynamic stability) indicates that this missense variant is expected to disrupt GAA protein function with a positive predictive value of 95%. Experimental studies have shown that this missense change affects GAA function (PMID: 9535769, 19862843, 28592009). This variant disrupts the p.Arg672 amino acid residue in GAA. Other variant(s) that disrupt this residue have been determined to be pathogenic (PMID: 9535769, 15986226, 16917947, 19862843, 21484825, 21757382). This suggests that this residue is clinically significant, and that variants that disrupt this residue are likely to be disease-causing. For these reasons, this variant has been classified as Pathogenic.

Dubai Health Genomic Medicine Center, Dubai Health
Classification: Pathogenic for Glycogen storage disease II. Last evaluated: 2024-10-04. Review status: criteria provided, single submitter. Criteria: ACMG Guidelines, 2015. Collection method: research. Allele origin: germline. Affected: yes. Not counted in ClinVar's aggregate classification.
Comment: PS3,PM3_Strong, PM2, PP3,PM5

Natera, Inc.
Classification: Likely pathogenic for Glycogen storage disease type II. Last evaluated: 2024-09-17. Review status: criteria provided, single submitter. Criteria: Natera Variant Classification Schema (03/2026). Collection method: clinical testing. Allele origin: germline. Not counted in ClinVar's aggregate classification.
Comment: The c.2015G>A variant in GAA is a missense variant predicted to cause substitution of arginine to glutamine at amino acid 672. This variant is rare in the general population with a frequency below the threshold expected for the associated phenotype(s). This variant has been observed in one or more individuals affected with the associated recessive disease, as either homozygous or compound heterozygous with a second variant (PMID: 17092519, 9535769, 28937052, 25712382). Additionally, this variant has been observed to segregate in affected family members (PMID: 11053688). Functional studies show that this variant may disrupt protein function (PMID: 9535769). A different variant at the same position has been determined to be Pathogenic or Likely Pathogenic. Computational prediction algorithms indicate this variant is likely to affect gene or protein function. Given the available evidence, this variant is classified as Likely Pathogenic.